The following is an entry in ClinVar:

ClinVar aggregate classification (germline): Uncertain significance (1 of 4 stars; one submission).

gnomAD v4.1: 35 of 1,564,904 alleles (0.0022%); highest among the groups gnomAD compares: East Asian, 0.0046%; no homozygotes.

Submission:

CeGaT Center for Human Genetics Tuebingen
Classification: Uncertain significance. Last evaluated: 2025-11-01. Review status: criteria provided, single submitter. Criteria: CeGaT Center For Human Genetics Tuebingen Variant Classification Criteria Version 2. Collection method: clinical testing. Allele origin: germline. Affected: yes. Observed: 1 variant allele.
Comment: USP53: PM2, BP4

NM_001371395.1(USP53):c.823-7T>A

Gene: USP53 (ubiquitin specific peptidase 53; plus strand). Cytogenetic location: 4q26.
Variant type: single nucleotide variant.
Coding change: c.823-7T>A on transcript NM_001371395.1 (MANE Select); 7 bases into the intron before coding-DNA position 823, T replaced by A.
Molecular consequence: intron variant.
Genome position (GRCh38, 1-based): chr4:119,261,708, T>A. VCF-style: chr4-119261708-T-A. GRCh37 (hg19) VCF-style: chr4-120182863-T-A.
Other names: c.823-7T>A (NM_019050.3, NM_001389661.1, NM_001389658.1 and 5 more transcripts); c.475-7T>A (NM_001389663.1, NM_001389667.1, NM_001389664.1 and 3 more transcripts); c.822+1055T>A (NM_001389660.1).
Identifiers: ClinVar variation 4535408 (VCV004535408.6).
Genomic context (GRCh38, chr4:119,261,708, plus strand): 5'-CATCTAATTATTCCTCATTTTACAAAAGATGTAGTGTTAAGTGTACATTACCAATTTTTT[T>A]AAACAGCTTTTTTATAGAGTTACTGATGAAAATGCCAAAAATAGTGAACTTAACCTTGTT-3'